The following is an entry in ClinVar:

NM_002778.4(PSAP):c.213C>T (p.Thr71=)

Gene: PSAP (prosaposin; minus strand). Cytogenetic location: 10q22.1.
Variant type: single nucleotide variant.
Coding change: c.213C>T on transcript NM_002778.4 (MANE Select); coding-DNA position 213, C replaced by T.
Protein change: p.Thr71=; no amino-acid change (threonine 71 retained).
Molecular consequence: synonymous variant.
Genome position (GRCh38, 1-based): chr10:71,831,882, G>A on the plus strand (C>T on the coding strand, the complement: PSAP is on the minus strand). VCF-style: chr10-71831882-G-A. GRCh37 (hg19) VCF-style: chr10-73591639-G-A.
Other names: c.213C>T, p.Thr71= (NM_001042465.3, NM_001042466.3); c.213C>T (NM_002778.3).
Identifiers: ClinVar variation 1131835 (VCV001131835.11), dbSNP rs765022811, ClinGen allele CA5547846.
Genomic context (GRCh38, chr10:71,831,882, plus strand): 5'-CCATCCCCACTCACCGCCGCTCACCTCAGTGGCATTGTCCTTCAGCATATCACCAGCTGC[G>A]GTGACAACGTCTTTGCATATGTCGCAGGGAAGGGATTTCTAAGAGAAAGAATACGAGAAA-3'
Protein context (NP_002769.1, residues 61-81): LPCDICKDVV[Thr71=]AAGDMLKDNA

ClinVar aggregate classification (germline): Likely benign. Review status: criteria provided, single submitter (1 of 4 stars). 2 submissions from 2 submitters: Likely benign (1). 1 of the submissions does not count toward it. Last evaluated 2023-11-08.

Conditions:
PSAP-related disorder. Also called: PSAP-related condition.
Sphingolipid activator protein 1 deficiency. Also called: Metachromatic leukodystrophy due to saposin B deficiency; METACHROMATIC LEUKODYSTROPHY DUE TO CEREBROSIDE SULFATASE ACTIVATOR DEFICIENCY; Saposin B Deficiency. Identifiers: Orphanet 512, MedGen C0268262, MONDO:0009590, OMIM 249900.

Allele frequency attached by ClinVar (database versions not stated): ExAC 0.00001; gnomAD 0.00001; gnomAD exomes 0.00001 and 0.00002; TOPMed 0.00001.
gnomAD v4.1: 15 of 1,613,874 alleles (0.00093%); highest among the groups gnomAD compares: Admixed American, 0.0017%; no homozygotes.

Submissions (2):

Labcorp Genetics (formerly Invitae), Labcorp
Classification: Likely benign for Sphingolipid activator protein 1 deficiency. Last evaluated: 2023-11-08. Review status: criteria provided, single submitter. Criteria: Invitae Variant Classification Sherloc (09022015). Collection method: clinical testing. Allele origin: germline.

PreventionGenetics, part of Exact Sciences
Classification: Likely benign for PSAP-related condition. Last evaluated: 2019-08-23. Review status: no assertion criteria provided. Collection method: clinical testing. Allele origin: germline. Not counted in ClinVar's aggregate classification.
Comment: This variant is classified as likely benign based on ACMG/AMP sequence variant interpretation guidelines (Richards et al. 2015 PMID: 25741868, with internal and published modifications).